The following is an entry in ClinVar:

NM_014232.3(VAMP2):c.200C>T (p.Ala67Val)

Gene: VAMP2 (vesicle associated membrane protein 2; minus strand). Cytogenetic location: 17p13.1.
Variant type: single nucleotide variant.
Coding change: c.200C>T on transcript NM_014232.3 (MANE Select); coding-DNA position 200, C replaced by T.
Protein change: p.Ala67Val; replaces alanine 67 with valine.
Molecular consequence: missense variant.
Genome position (GRCh38, 1-based): chr17:8,161,690, G>A on the plus strand (C>T on the coding strand, the complement: VAMP2 is on the minus strand). VCF-style: chr17-8161690-G-A. GRCh37 (hg19) VCF-style: chr17-8065008-G-A.
Other names: c.206C>T, p.Ala69Val (NM_001330125.1); short protein forms A67V, A69V.
Identifiers: ClinVar variation 2647451 (VCV002647451.24), dbSNP rs2507691267, ClinGen allele CA397965518.

ClinVar aggregate classification (germline): Uncertain significance (1 of 4 stars; one submission).

Submission:

CeGaT Center for Human Genetics Tuebingen
Classification: Uncertain significance. Last evaluated: 2022-09-01. Review status: criteria provided, single submitter. Criteria: CeGaT Center For Human Genetics Tuebingen Variant Classification Criteria Version 2. Collection method: clinical testing. Allele origin: germline. Affected: yes. Observed: 1 variant allele.
Comment: VAMP2: PM2